The following is an entry in ClinVar:

ClinVar aggregate classification (germline): Benign/Likely benign. Review status: criteria provided, multiple submitters, no conflicts (2 of 4 stars). 10 submissions from 10 submitters: Benign (5); Likely benign (5). Last evaluated 2026-01-31.

Conditions:
Autosomal dominant hypocalcemia 1 (HYPOC1). Also called: HYPOCALCEMIA, FAMILIAL. Identifiers: MedGen C3715128, MONDO:0011013, OMIM 601198.
Familial hypocalciuric hypercalcemia (FHH). Also called: Familial benign hypercalcemia. Identifiers: Orphanet 405, MedGen C1809471, MONDO:0018458.
Nephrolithiasis/nephrocalcinosis. Identifiers: MedGen CN580796.
Hereditary cancer-predisposing syndrome. Also called: Tumor predisposition; Neoplastic Syndromes, Hereditary; Hereditary neoplastic syndrome; Hereditary Cancer Syndrome. Identifiers: Orphanet 140162, MedGen C0027672, MeSH D009386, MONDO:0015356.

Allele frequency attached by ClinVar (database versions not stated): gnomAD exomes 0.00056; ExAC 0.00072; gnomAD 0.00194; TOPMed 0.00253; 1000 Genomes Project 0.00260; 1000 Genomes Project 30x 0.00265; ESP Exome Variant Server 0.00300.
gnomAD v4.1: 732 of 1,613,544 alleles (0.045%); highest among the groups gnomAD compares: African/African-American, 0.86%; 5 homozygotes.

Submissions (10):

Labcorp Genetics (formerly Invitae), Labcorp
Classification: Benign for Familial hypocalciuric hypercalcemia; Autosomal dominant hypocalcemia 1. Last evaluated: 2026-01-31. Review status: criteria provided, single submitter. Criteria: Invitae Variant Classification Sherloc (09022015). Collection method: clinical testing. Allele origin: germline.

Athena Diagnostics
Classification: Benign. Last evaluated: 2025-09-09. Review status: criteria provided, single submitter. Criteria: Athena Diagnostics Criteria. Collection method: clinical testing. Allele origin: unknown.
Comment: The frequency of this variant in the general population is higher than would generally be expected for pathogenic variants in this gene. Computational tools yielded predictions that this variant is unlikely to have an effect on normal RNA splicing. This nucleotide position exhibits low evolutionary conservation.

Mayo Clinic Laboratories, Mayo Clinic
Classification: Likely benign. Last evaluated: 2025-08-05. Review status: criteria provided, single submitter. Criteria: ACMG Guidelines, 2015. Collection method: clinical testing. Allele origin: germline. Observed: 3 variant alleles.
Comment: BS1, BP4, BP7

Center for Genomic Medicine, Rigshospitalet, Copenhagen University Hospital
Classification: Likely benign. Last evaluated: 2025-03-04. Review status: criteria provided, single submitter. Criteria: ACMG Guidelines, 2015. Collection method: clinical testing. Allele origin: germline.

Blueprint Genetics
Classification: Likely benign. Last evaluated: 2024-10-07. Review status: criteria provided, single submitter. Criteria: ACMG Guidelines, 2015. Collection method: clinical testing. Allele origin: germline.

ARUP Laboratories, Molecular Genetics and Genomics, ARUP Laboratories
Classification: Benign. Last evaluated: 2024-07-23. Review status: criteria provided, single submitter. Criteria: ARUP Molecular Germline Variant Investigation Process 2024. Collection method: clinical testing. Allele origin: germline.

Sema4
Classification: Benign for Hereditary cancer-predisposing syndrome. Last evaluated: 2020-09-01. Review status: criteria provided, single submitter. Criteria: Sema4 Curation Guidelines. Collection method: curation. Allele origin: germline.

Ambry Genetics
Classification: Likely benign for Nephrolithiasis/nephrocalcinosis. Last evaluated: 2019-02-26. Review status: criteria provided, single submitter. Criteria: Ambry Variant Classification Scheme 2023. Collection method: clinical testing. Allele origin: germline.

GeneDx
Classification: Likely benign. Last evaluated: 2018-03-30. Review status: criteria provided, single submitter. Criteria: GeneDx Variant Classification (06012015). Collection method: clinical testing. Allele origin: germline. Affected: yes.
Comment: This variant is considered likely benign or benign based on one or more of the following criteria: it is a conservative change, it occurs at a poorly conserved position in the protein, it is predicted to be benign by multiple in silico algorithms, and/or has population frequency not consistent with disease.

Eurofins Ntd Llc (ga)
Classification: Benign. Last evaluated: 2014-12-29. Review status: criteria provided, single submitter. Criteria: EGL Classification Definitions 2015. Collection method: clinical testing. Allele origin: germline. Observed: 1 variant allele, 1 heterozygote.

NM_000388.4(CASR):c.2730C>A (p.Pro910=)

Gene: CASR (calcium sensing receptor; plus strand). Cytogenetic location: 3q21.1.
Variant type: single nucleotide variant.
Coding change: c.2730C>A on transcript NM_000388.4 (MANE Select); coding-DNA position 2730, C replaced by A.
Protein change: p.Pro910=; no amino-acid change (proline 910 retained).
Molecular consequence: synonymous variant.
Genome position (GRCh38, 1-based): chr3:122,284,684, C>A. VCF-style: chr3-122284684-C-A. GRCh37 (hg19) VCF-style: chr3-122003531-C-A.
Other names: p.Pro910=; c.2760C>A, p.Pro920= (NM_001178065.2).
Identifiers: ClinVar variation 198072 (VCV000198072.32), dbSNP rs34200949, ClinGen allele CA203221.